The following is an entry in ClinVar:

NM_014264.5(PLK4):c.62G>T (p.Gly21Val)

Gene: PLK4 (polo like kinase 4; plus strand). Cytogenetic location: 4q28.1.
Variant type: single nucleotide variant.
Coding change: c.62G>T on transcript NM_014264.5 (MANE Select); coding-DNA position 62, G replaced by T.
Protein change: p.Gly21Val; replaces glycine 21 with valine.
Molecular consequence: missense variant. On other transcripts: 5 prime UTR variant (1).
Genome position (GRCh38, 1-based): chr4:127,881,862, G>T. VCF-style: chr4-127881862-G-T. GRCh37 (hg19) VCF-style: chr4-128803017-G-T.
Other names: c.62G>T, p.Gly21Val (NM_001190799.2); c.-62G>T (NM_001190801.2); short protein forms G21V.
Identifiers: ClinVar variation 1408596 (VCV001408596.6), dbSNP rs2148815192, ClinGen allele CA358167098.

ClinVar aggregate classification (germline): Uncertain significance (1 of 4 stars; one submission).

Submission:

Labcorp Genetics (formerly Invitae), Labcorp
Classification: Uncertain significance. Last evaluated: 2021-10-07. Review status: criteria provided, single submitter. Criteria: Invitae Variant Classification Sherloc (09022015). Collection method: clinical testing. Allele origin: germline.
Comment: In summary, the available evidence is currently insufficient to determine the role of this variant in disease. Therefore, it has been classified as a Variant of Uncertain Significance. Algorithms developed to predict the effect of missense changes on protein structure and function (SIFT, PolyPhen-2, Align-GVGD) all suggest that this variant is likely to be disruptive. This variant has not been reported in the literature in individuals affected with PLK4-related conditions. This variant is not present in population databases (ExAC no frequency). This sequence change replaces glycine with valine at codon 21 of the PLK4 protein (p.Gly21Val). The glycine residue is highly conserved and there is a moderate physicochemical difference between glycine and valine.